The following is an entry in ClinVar:

ClinVar aggregate classification (germline): Uncertain significance (1 of 4 stars; one submission).

Submission:

Labcorp Genetics (formerly Invitae), Labcorp
Classification: Uncertain significance. Last evaluated: 2022-06-09. Review status: criteria provided, single submitter. Criteria: Invitae Variant Classification Sherloc (09022015). Collection method: clinical testing. Allele origin: germline.
Comment: In summary, the available evidence is currently insufficient to determine the role of this variant in disease. Therefore, it has been classified as a Variant of Uncertain Significance. Experimental studies and prediction algorithms are not available or were not evaluated, and the effect of this variant on mRNA splicing is currently unknown. This variant has not been reported in the literature in individuals affected with IKZF1-related conditions. This variant is not present in population databases (gnomAD no frequency). This sequence change affects codon 177 of the IKZF1 mRNA. It is a 'silent' change, meaning that it does not change the encoded amino acid sequence of the IKZF1 protein.

NM_006060.6(IKZF1):c.531C>G (p.Leu177=)

Gene: IKZF1 (IKAROS family zinc finger 1; plus strand). Cytogenetic location: 7p12.2.
Variant type: single nucleotide variant.
Coding change: c.531C>G on transcript NM_006060.6 (MANE Select); coding-DNA position 531, C replaced by G.
Protein change: p.Leu177=; no amino-acid change (leucine 177 retained).
Molecular consequence: synonymous variant. On other transcripts: intron variant (6).
Genome position (GRCh38, 1-based): chr7:50,382,649, C>G. VCF-style: chr7-50382649-C-G. GRCh37 (hg19) VCF-style: chr7-50450347-C-G.
Other names: c.531C>G, p.Leu177= (NM_001220765.3, NM_001220768.2, NM_001291837.2); c.270C>G, p.Leu90= (NM_001220767.2, NM_001220770.2, NM_001291838.2 and 1 more transcripts); c.591C>G, p.Leu197= (NM_001410879.1); c.421+5856C>G (NM_001220771.2); c.161-4696C>G (NM_001291841.1, NM_001291842.1); c.161-9080C>G (NM_001291843.1, NM_001291844.1); c.161-17269C>G (NM_001291840.1).
Identifiers: ClinVar variation 2109453 (VCV002109453.4), dbSNP rs200442218, ClinGen allele CA454931685.